The following is an entry in ClinVar:

NM_033641.4(COL4A6):c.295C>T (p.Pro99Ser)

Gene: COL4A6 (collagen type IV alpha 6 chain; minus strand). Cytogenetic location: Xq22.3.
Variant type: single nucleotide variant.
Coding change: c.295C>T on transcript NM_033641.4 (MANE Select); coding-DNA position 295, C replaced by T.
Protein change: p.Pro99Ser; replaces proline 99 with serine.
Molecular consequence: missense variant.
Genome position (GRCh38, 1-based): chrX:108,219,727, G>A on the plus strand (C>T on the coding strand, the complement: COL4A6 is on the minus strand). VCF-style: chrX-108219727-G-A. GRCh37 (hg19) VCF-style: chrX-107462957-G-A.
Other names: c.298C>T (NM_001847.2); c.295C>T, p.Pro99Ser (NM_001287758.2, NM_001287759.2, NM_001287760.2); c.298C>T, p.Pro100Ser (NM_001847.4); short protein forms P99S, P100S.
Identifiers: ClinVar variation 2712080 (VCV002712080.4), dbSNP rs754228628, ClinGen allele CA10488204.

ClinVar aggregate classification (germline): Uncertain significance. Review status: criteria provided, multiple submitters, no conflicts (2 of 4 stars). 2 submissions from 2 submitters: Uncertain significance (2). Last evaluated 2025-03-28.

Allele frequency attached by ClinVar (database versions not stated): ExAC 0.00003; gnomAD 0.00003; TOPMed 0.00003; gnomAD exomes 0.00006.
gnomAD v4.1: 67 of 1,206,132 alleles (0.0056%); highest among the groups gnomAD compares: Non-Finnish European, 0.0073%; no homozygotes.

Submissions (2):

Ambry Genetics
Classification: Uncertain significance. Last evaluated: 2025-03-28. Review status: criteria provided, single submitter. Criteria: Ambry Variant Classification Scheme 2023. Collection method: clinical testing. Allele origin: germline.

Labcorp Genetics (formerly Invitae), Labcorp
Classification: Uncertain significance. Last evaluated: 2023-04-13. Review status: criteria provided, single submitter. Criteria: Invitae Variant Classification Sherloc (09022015). Collection method: clinical testing. Allele origin: germline.
Comment: This variant has not been reported in the literature in individuals affected with COL4A6-related conditions. In summary, the available evidence is currently insufficient to determine the role of this variant in disease. Therefore, it has been classified as a Variant of Uncertain Significance. Advanced modeling of protein sequence and biophysical properties (such as structural, functional, and spatial information, amino acid conservation, physicochemical variation, residue mobility, and thermodynamic stability) performed at Invitae indicates that this missense variant is not expected to disrupt COL4A6 protein function. This variant is present in population databases (rs754228628, gnomAD 0.008%). This sequence change replaces proline, which is neutral and non-polar, with serine, which is neutral and polar, at codon 100 of the COL4A6 protein (p.Pro100Ser).